The following is an entry in ClinVar:

ClinVar aggregate classification (germline): Uncertain significance. Review status: criteria provided, multiple submitters, no conflicts (2 of 4 stars). 2 submissions from 2 submitters: Uncertain significance (2). Last evaluated 2023-01-23.

Conditions:
Epileptic encephalopathy. Identifiers: MedGen C0543888, HP:0200134.

Allele frequency attached by ClinVar (database versions not stated): gnomAD exomes 0.00001; TOPMed 0.00003; ESP Exome Variant Server 0.00008; 1000 Genomes Project 0.00040; 1000 Genomes Project 30x 0.00047.
gnomAD v4.1: 20 of 1,613,976 alleles (0.0012%); highest among the groups gnomAD compares: African/African-American, 0.02%; no homozygotes.

Submissions (2):

Ambry Genetics
Classification: Uncertain significance. Last evaluated: 2023-01-23. Review status: criteria provided, single submitter. Criteria: Ambry Variant Classification Scheme 2023. Collection method: clinical testing. Allele origin: germline.

Labcorp Genetics (formerly Invitae), Labcorp
Classification: Uncertain significance for Epileptic encephalopathy. Last evaluated: 2019-09-20. Review status: criteria provided, single submitter. Criteria: Invitae Variant Classification Sherloc (09022015). Collection method: clinical testing. Allele origin: germline.
Comment: This variant has not been reported in the literature in individuals with RYR3-related conditions. In summary, the available evidence is currently insufficient to determine the role of this variant in disease. Therefore, it has been classified as a Variant of Uncertain Significance. Algorithms developed to predict the effect of missense changes on protein structure and function are either unavailable or do not agree on the potential impact of this missense change (SIFT: "Deleterious"; PolyPhen-2: "Probably Damaging"; Align-GVGD: "Class C0"). This variant is present in population databases (rs368537521, ExAC 0.04%). This sequence change replaces glutamic acid with glutamine at codon 3248 of the RYR3 protein (p.Glu3248Gln). The glutamic acid residue is highly conserved and there is a small physicochemical difference between glutamic acid and glutamine.

NM_001036.6(RYR3):c.9742G>C (p.Glu3248Gln)

Gene: RYR3 (ryanodine receptor 3; plus strand). Cytogenetic location: 15q14.
Variant type: single nucleotide variant.
Coding change: c.9742G>C on transcript NM_001036.6 (MANE Select); coding-DNA position 9742, G replaced by C.
Protein change: p.Glu3248Gln; replaces glutamic acid 3248 with glutamine.
Molecular consequence: missense variant.
Genome position (GRCh38, 1-based): chr15:33,788,370, G>C. VCF-style: chr15-33788370-G-C. GRCh37 (hg19) VCF-style: chr15-34080571-G-C.
Other names: c.9742G>C, p.Glu3248Gln (NM_001243996.4); c.9742G>C (NM_001036.3); short protein forms E3248Q.
Identifiers: ClinVar variation 962262 (VCV000962262.11), dbSNP rs368537521, ClinGen allele CA7460593.